The following is an entry in ClinVar:

NM_014687.4(RUBCN):c.318C>T (p.His106=)

Gene: RUBCN (rubicon autophagy regulator; minus strand). Cytogenetic location: 3q29.
Variant type: single nucleotide variant.
Coding change: c.318C>T on transcript NM_014687.4 (MANE Select); coding-DNA position 318, C replaced by T.
Protein change: p.His106=; no amino-acid change (histidine 106 retained).
Molecular consequence: synonymous variant.
Genome position (GRCh38, 1-based): chr3:197,704,687, G>A on the plus strand (C>T on the coding strand, the complement: RUBCN is on the minus strand). VCF-style: chr3-197704687-G-A. GRCh37 (hg19) VCF-style: chr3-197431558-G-A.
Other names: p.His46=; c.318C>T, p.His106= (NM_001346873.2); c.138C>T, p.His46= (NM_001145642.5).
Identifiers: ClinVar variation 4684770 (VCV004684770.1).

ClinVar aggregate classification (germline): Likely benign (1 of 4 stars; one submission).

gnomAD v4.1: 217 of 1,613,930 alleles (0.013%); highest among the groups gnomAD compares: Middle Eastern, 0.017%; 1 homozygote.

Submission:

Mayo Clinic Laboratories, Mayo Clinic
Classification: Likely benign. Last evaluated: 2025-03-18. Review status: criteria provided, single submitter. Criteria: ACMG Guidelines, 2015. Collection method: clinical testing. Allele origin: germline. Observed: 1 variant allele.
Comment: BP4, BP7